The following is an entry in ClinVar:

ClinVar aggregate classification (germline): Uncertain significance (1 of 4 stars; one submission).

Conditions:
LAMA2-related muscular dystrophy (LAMA2-RD). Also called: Laminin alpha 2-related dystrophy. Identifiers: MedGen C5679788, MONDO:0100228.

gnomAD v4.1: 9 of 1,613,698 alleles (0.00056%); highest among the groups gnomAD compares: Non-Finnish European, 0.00076%; no homozygotes.

Submission:

Labcorp Genetics (formerly Invitae), Labcorp
Classification: Uncertain significance for LAMA2-related muscular dystrophy. Last evaluated: 2021-09-17. Review status: criteria provided, single submitter. Criteria: Invitae Variant Classification Sherloc (09022015). Collection method: clinical testing. Allele origin: germline.
Comment: This sequence change replaces leucine with arginine at codon 2113 of the LAMA2 protein (p.Leu2113Arg). The leucine residue is moderately conserved and there is a moderate physicochemical difference between leucine and arginine. This variant is not present in population databases (ExAC no frequency). This variant has not been reported in the literature in individuals with LAMA2-related conditions. Algorithms developed to predict the effect of missense changes on protein structure and function are either unavailable or do not agree on the potential impact of this missense change (SIFT: "Tolerated"; PolyPhen-2: "Probably Damaging"; Align-GVGD: "Class C0"). In summary, the available evidence is currently insufficient to determine the role of this variant in disease. Therefore, it has been classified as a Variant of Uncertain Significance.

NM_000426.4(LAMA2):c.6338T>G (p.Leu2113Arg)

Gene: LAMA2 (laminin subunit alpha 2; plus strand). Cytogenetic location: 6q22.33.
Variant type: single nucleotide variant.
Coding change: c.6338T>G on transcript NM_000426.4 (MANE Select); coding-DNA position 6338, T replaced by G.
Protein change: p.Leu2113Arg; replaces leucine 2113 with arginine.
Molecular consequence: missense variant.
Genome position (GRCh38, 1-based): chr6:129,445,730, T>G. VCF-style: chr6-129445730-T-G. GRCh37 (hg19) VCF-style: chr6-129766875-T-G.
Other names: c.6338T>G, p.Leu2113Arg (NM_001079823.2); short protein forms L2113R.
Identifiers: ClinVar variation 1387474 (VCV001387474.5), dbSNP rs1782335962, ClinGen allele CA365631851.